The following is an entry in ClinVar:

NM_000222.3(KIT):c.2329G>T (p.Ala777Ser)

Gene: KIT (KIT proto-oncogene, receptor tyrosine kinase; plus strand). Cytogenetic location: 4q12.
Variant type: single nucleotide variant.
Coding change: c.2329G>T on transcript NM_000222.3 (MANE Select); coding-DNA position 2329, G replaced by T.
Protein change: p.Ala777Ser; replaces alanine 777 with serine.
Molecular consequence: missense variant.
Genome position (GRCh38, 1-based): chr4:54,731,966, G>T. VCF-style: chr4-54731966-G-T. GRCh37 (hg19) VCF-style: chr4-55598132-G-T.
Other names: c.2317G>T, p.Ala773Ser (NM_001093772.2, NM_001385292.1); c.2332G>T, p.Ala778Ser (NM_001385284.1); c.2326G>T, p.Ala776Ser (NM_001385285.1); c.2314G>T, p.Ala772Ser (NM_001385286.1); c.2320G>T, p.Ala774Ser (NM_001385288.1); c.2329G>T, p.Ala777Ser (NM_001385290.1); short protein forms A777S, A773S, A774S, A776S, A778S, A772S.
Identifiers: ClinVar variation 2008183 (VCV002008183.4), dbSNP rs2109795843, ClinGen allele CA356911073.

ClinVar aggregate classification (germline): Uncertain significance (1 of 4 stars; one submission).

Conditions:
Gastrointestinal stromal tumor. Also called: Gastrointestinal stroma tumor; Gastrointestinal stromal tumor, somatic. Identifiers: Orphanet 44890, MedGen C0238198, MeSH D046152, MONDO:0011719, OMIM 606764, HP:0100723.

Submission:

Labcorp Genetics (formerly Invitae), Labcorp
Classification: Uncertain significance for Gastrointestinal stromal tumor. Last evaluated: 2022-06-18. Review status: criteria provided, single submitter. Criteria: Invitae Variant Classification Sherloc (09022015). Collection method: clinical testing. Allele origin: germline.
Comment: In summary, the available evidence is currently insufficient to determine the role of this variant in disease. Therefore, it has been classified as a Variant of Uncertain Significance. Algorithms developed to predict the effect of missense changes on protein structure and function (SIFT, PolyPhen-2, Align-GVGD) all suggest that this variant is likely to be disruptive. This variant has not been reported in the literature in individuals affected with KIT-related conditions. This variant is not present in population databases (gnomAD no frequency). This sequence change replaces alanine, which is neutral and non-polar, with serine, which is neutral and polar, at codon 777 of the KIT protein (p.Ala777Ser).